The following is an entry in ClinVar:

ClinVar aggregate classification (germline): Likely benign (0 of 4 stars; one submission).

Conditions:
SLC5A2-related disorder. Also called: SLC5A2-related condition.

Allele frequency attached by ClinVar (database versions not stated): ExAC 0.00003; gnomAD exomes 0.00003; TOPMed 0.00008; gnomAD 0.00009; 1000 Genomes Project 30x 0.00031; 1000 Genomes Project 0.00040.
gnomAD v4.1: 63 of 1,613,774 alleles (0.0039%); highest among the groups gnomAD compares: African/African-American, 0.044%; no homozygotes.

Submission:

PreventionGenetics, part of Exact Sciences
Classification: Likely benign for SLC5A2-related condition. Last evaluated: 2022-08-01. Review status: no assertion criteria provided. Collection method: clinical testing. Allele origin: germline.
Comment: This variant is classified as likely benign based on ACMG/AMP sequence variant interpretation guidelines (Richards et al. 2015 PMID: 25741868, with internal and published modifications).

NM_003041.4(SLC5A2):c.789C>T (p.Tyr263=)

Gene: SLC5A2 (solute carrier family 5 member 2; plus strand). Cytogenetic location: 16p11.2.
Variant type: single nucleotide variant.
Coding change: c.789C>T on transcript NM_003041.4 (MANE Select); coding-DNA position 789, C replaced by T.
Protein change: p.Tyr263=; no amino-acid change (tyrosine 263 retained).
Molecular consequence: synonymous variant. On other transcripts: non-coding transcript variant (1).
Genome position (GRCh38, 1-based): chr16:31,487,663, C>T. VCF-style: chr16-31487663-C-T. GRCh37 (hg19) VCF-style: chr16-31498984-C-T.
Identifiers: ClinVar variation 3030697 (VCV003030697.2), dbSNP rs188105101, ClinGen allele CA8030858.
Genomic context (GRCh38, chr16:31,487,663, plus strand): 5'-CGAGGATCCAGCCGTGGGAAACATCTCCAGCTTCTGCTATCGACCCCGGCCCGACTCCTA[C>T]CACCTGCTCCGGCACCCCGTGACCGGGGATCTGCCGTGGCCCGCGCTGCTCCTCGGACTC-3'
Protein context (NP_003032.1, residues 253-273): SFCYRPRPDS[Tyr263=]HLLRHPVTGD